The following is an entry in ClinVar:

ClinVar aggregate classification (germline): Uncertain significance (1 of 4 stars; one submission).

Submission:

Ambry Genetics
Classification: Uncertain significance. Last evaluated: 2021-07-23. Review status: criteria provided, single submitter. Criteria: Ambry Variant Classification Scheme 2023. Collection method: clinical testing. Allele origin: germline.
Comment: The p.S819F variant (also known as c.2456C>T), located in coding exon 22 of the PRKDC gene, results from a C to T substitution at nucleotide position 2456. The serine at codon 819 is replaced by phenylalanine, an amino acid with highly dissimilar properties. This amino acid position is conserved. In addition, the in silico prediction for this alteration is inconclusive. Since supporting evidence is limited at this time, the clinical significance of this alteration remains unclear.

NM_006904.7(PRKDC):c.2456C>T (p.Ser819Phe)

Gene: PRKDC (protein kinase, DNA-activated, catalytic subunit; minus strand). Cytogenetic location: 8q11.21.
Variant type: single nucleotide variant.
Coding change: c.2456C>T on transcript NM_006904.7 (MANE Select); coding-DNA position 2456, C replaced by T.
Protein change: p.Ser819Phe; replaces serine 819 with phenylalanine.
Molecular consequence: missense variant.
Genome position (GRCh38, 1-based): chr8:47,918,347, G>A on the plus strand (C>T on the coding strand, the complement: PRKDC is on the minus strand). VCF-style: chr8-47918347-G-A. GRCh37 (hg19) VCF-style: chr8-48830907-G-A.
Other names: c.2456C>T, p.Ser819Phe (NM_001081640.2); short protein forms S819F.
Identifiers: ClinVar variation 1791549 (VCV001791549.2), dbSNP rs2551877359, ClinGen allele CA371160522.